The following is an entry in ClinVar:

NM_001127511.3(APC):c.-127_-126delinsA

Gene: APC (APC regulator of Wnt signaling pathway; plus strand). Cytogenetic location: 5q22.2.
Variant type: Indel.
Coding change: c.-127_-126delinsA on transcript NM_001127511.3; 127 bases upstream of the start codon through 126 bases upstream of the start codon, GG replaced by A.
Molecular consequence: 5 prime UTR variant. On other transcripts: non-coding transcript variant (2).
Genome position (GRCh38, 1-based): chr5:112,707,591-112,707,592, GG replaced by A. VCF-style: chr5-112707591-GG-A. GRCh37 (hg19) VCF-style: chr5-112043288-GG-A.
Other names: c.-310_-309delinsA (NM_001354895.2, NM_001407447.1, NM_001407452.1 and 3 more transcripts); c.-127_-126delinsA (NM_001354897.2, NM_001354902.2, NM_001407446.1); c.-77_-76delinsA (NM_001407448.1, NM_001407450.1, NM_001407457.1 and 1 more transcripts); c.-101_-100delinsA (NM_001407453.1); c.-1345_-1344delinsA (NM_001407470.1, NM_001407472.1).
Identifiers: ClinVar variation 2775491 (VCV002775491.3), dbSNP rs2531736156, ClinGen allele CA2739274984.

ClinVar aggregate classification (germline): Uncertain significance (1 of 4 stars; one submission).

Conditions:
Familial adenomatous polyposis 1 (FAP1). Also called: FAMILIAL ADENOMATOUS POLYPOSIS 1, ATTENUATED; POLYPOSIS, ADENOMATOUS INTESTINAL. Identifiers: MedGen C2713442, MONDO:0021056, OMIM 175100. Disease mechanism: loss of function.

Submission:

Labcorp Genetics (formerly Invitae), Labcorp
Classification: Uncertain significance for Familial adenomatous polyposis 1. Last evaluated: 2024-06-21. Review status: criteria provided, single submitter. Criteria: Invitae Variant Classification Sherloc (09022015). Collection method: clinical testing. Allele origin: germline.
Comment: This variant occurs in a non-coding region of the APC gene. It does not change the encoded amino acid sequence of the APC protein. Information on the frequency of this variant in the gnomAD database is not available, as this variant may be reported differently in the database. This variant has not been reported in the literature in individuals affected with APC-related conditions. Experimental studies and prediction algorithms are not available or were not evaluated, and the functional significance of this variant is currently unknown. In summary, the available evidence is currently insufficient to determine the role of this variant in disease. Therefore, it has been classified as a Variant of Uncertain Significance.